The following is an entry in ClinVar:

NM_014889.4(PITRM1):c.2856C>G (p.Ile952Met)

Gene: PITRM1 (pitrilysin metallopeptidase 1; minus strand). Cytogenetic location: 10p15.2.
Variant type: single nucleotide variant.
Coding change: c.2856C>G on transcript NM_014889.4 (MANE Select); coding-DNA position 2856, C replaced by G.
Protein change: p.Ile952Met; replaces isoleucine 952 with methionine.
Molecular consequence: missense variant. On other transcripts: non-coding transcript variant (4).
Genome position (GRCh38, 1-based): chr10:3,138,965, G>C on the plus strand (C>G on the coding strand, the complement: PITRM1 is on the minus strand). VCF-style: chr10-3138965-G-C. GRCh37 (hg19) VCF-style: chr10-3181157-G-C.
Other names: c.2859C>G, p.Ile953Met (NM_001242307.2); c.2658C>G, p.Ile886Met (NM_001347725.2); c.2043C>G, p.Ile681Met (NM_001347726.2); c.2241C>G, p.Ile747Met (NM_001347727.2); c.1551C>G, p.Ile517Met (NM_001347728.2); c.2832C>G, p.Ile944Met (NM_001347729.1); c.2634C>G, p.Ile878Met (NM_001347730.1); c.2859C>G (NM_001242307.1); and 1 more; short protein forms I854M, I878M, I944M, I886M, I517M, I747M, I681M, I952M.
Identifiers: ClinVar variation 774555 (VCV000774555.40), dbSNP rs2279219, ClinGen allele CA5387186.

ClinVar aggregate classification (germline): Benign. Review status: criteria provided, multiple submitters, no conflicts (2 of 4 stars). 4 submissions from 4 submitters: Benign (3). 1 of the submissions does not count toward it. Last evaluated 2026-06-01.

Conditions:
PITRM1-related disorder. Also called: PITRM1-related condition.

Allele frequency attached by ClinVar (database versions not stated): TOPMed 0.00558; 1000 Genomes Project 30x 0.00656; 1000 Genomes Project 0.00699; ESP Exome Variant Server 0.00720.
gnomAD v4.1: 13,256 of 1,613,686 alleles (0.82%); highest among the groups gnomAD compares: Middle Eastern, 2.4%; 93 homozygotes.

Submissions (4):

CeGaT Center for Human Genetics Tuebingen
Classification: Benign. Last evaluated: 2026-06-01. Review status: criteria provided, single submitter. Criteria: CeGaT Center For Human Genetics Tuebingen Variant Classification Criteria Version 2. Collection method: clinical testing. Allele origin: germline. Affected: yes. Observed: 24 variant alleles.
Comment: PITRM1: BP4, BS1, BS2

Labcorp Genetics (formerly Invitae), Labcorp
Classification: Benign. Last evaluated: 2026-01-20. Review status: criteria provided, single submitter. Criteria: Invitae Variant Classification Sherloc (09022015). Collection method: clinical testing. Allele origin: germline.

Breakthrough Genomics
Classification: Benign. Review status: criteria provided, single submitter. Criteria: ACMG Guidelines, 2015. Collection method: not provided. Allele origin: germline. Inheritance: Autosomal recessive inheritance. Affected: yes.

PreventionGenetics, part of Exact Sciences
Classification: Benign for PITRM1-related condition. Last evaluated: 2019-11-25. Review status: no assertion criteria provided. Collection method: clinical testing. Allele origin: germline. Not counted in ClinVar's aggregate classification.
Comment: This variant is classified as benign based on ACMG/AMP sequence variant interpretation guidelines (Richards et al. 2015 PMID: 25741868, with internal and published modifications).